The following is an entry in ClinVar:

ClinVar aggregate classification (germline): Uncertain significance (1 of 4 stars; one submission).

Conditions:
Charcot-Marie-Tooth disease type 4. Also called: Charcot-Marie-Tooth, Type 4; Charcot-Marie-Tooth disease, type IV. Identifiers: Orphanet 64749, MedGen C4082197, MONDO:0018995.

gnomAD v4.1: 1 of 1,613,174 alleles (0.000062%); highest among the groups gnomAD compares: Admixed American, 0.0017%; no homozygotes.

Submission:

Labcorp Genetics (formerly Invitae), Labcorp
Classification: Uncertain significance for Charcot-Marie-Tooth disease type 4. Last evaluated: 2022-12-02. Review status: criteria provided, single submitter. Criteria: Invitae Variant Classification Sherloc (09022015). Collection method: clinical testing. Allele origin: germline.
Comment: Algorithms developed to predict the effect of missense changes on protein structure and function (SIFT, PolyPhen-2, Align-GVGD) all suggest that this variant is likely to be tolerated. ClinVar contains an entry for this variant (Variation ID: 1385752). This variant has not been reported in the literature in individuals affected with PRX-related conditions. This variant is not present in population databases (gnomAD no frequency). This sequence change replaces proline, which is neutral and non-polar, with arginine, which is basic and polar, at codon 549 of the PRX protein (p.Pro549Arg). In summary, the available evidence is currently insufficient to determine the role of this variant in disease. Therefore, it has been classified as a Variant of Uncertain Significance.

NM_181882.3(PRX):c.1646C>G (p.Pro549Arg)

Gene: PRX (periaxin; minus strand). Cytogenetic location: 19q13.2.
Variant type: single nucleotide variant.
Coding change: c.1646C>G on transcript NM_181882.3 (MANE Select); coding-DNA position 1646, C replaced by G.
Protein change: p.Pro549Arg; replaces proline 549 with arginine.
Molecular consequence: missense variant. On other transcripts: 3 prime UTR variant (1).
Genome position (GRCh38, 1-based): chr19:40,396,706, G>C on the plus strand (C>G on the coding strand, the complement: PRX is on the minus strand). VCF-style: chr19-40396706-G-C. GRCh37 (hg19) VCF-style: chr19-40902613-G-C.
Other names: c.*1851C>G (NM_020956.2); short protein forms P549R.
Identifiers: ClinVar variation 1385752 (VCV001385752.6), dbSNP rs150582069, ClinGen allele CA405897966.